The following is an entry in ClinVar:

NM_001852.4(COL9A2):c.1421C>T (p.Pro474Leu)

Gene: COL9A2 (collagen type IX alpha 2 chain; minus strand). Cytogenetic location: 1p34.2.
Variant type: single nucleotide variant.
Coding change: c.1421C>T on transcript NM_001852.4 (MANE Select); coding-DNA position 1421, C replaced by T.
Protein change: p.Pro474Leu; replaces proline 474 with leucine.
Molecular consequence: missense variant.
Genome position (GRCh38, 1-based): chr1:40,303,657, G>A on the plus strand (C>T on the coding strand, the complement: COL9A2 is on the minus strand). VCF-style: chr1-40303657-G-A. GRCh37 (hg19) VCF-style: chr1-40769329-G-A.
Other names: short protein forms P474L.
Identifiers: ClinVar variation 1195111 (VCV001195111.10), dbSNP rs764750434, ClinGen allele CA791439.

ClinVar aggregate classification (germline): Uncertain significance. Review status: criteria provided, multiple submitters, no conflicts (2 of 4 stars). 2 submissions from 2 submitters: Uncertain significance (2). Last evaluated 2025-04-11.

Allele frequency attached by ClinVar (database versions not stated): gnomAD 0.00002 and 0.00004; gnomAD exomes 0.00003; ExAC 0.00007.
gnomAD v4.1: 9 of 1,577,444 alleles (0.00057%); highest among the groups gnomAD compares: African/African-American, 0.0095%; no homozygotes.

Submissions (2):

Labcorp Genetics (formerly Invitae), Labcorp
Classification: Uncertain significance. Last evaluated: 2025-04-11. Review status: criteria provided, single submitter. Criteria: Invitae Variant Classification Sherloc (09022015). Collection method: clinical testing. Allele origin: germline.
Comment: This sequence change replaces proline, which is neutral and non-polar, with leucine, which is neutral and non-polar, at codon 474 of the COL9A2 protein (p.Pro474Leu). This variant is present in population databases (rs764750434, gnomAD 0.06%). This variant has not been reported in the literature in individuals affected with COL9A2-related conditions. ClinVar contains an entry for this variant (Variation ID: 1195111). Invitae Evidence Modeling of protein sequence and biophysical properties (such as structural, functional, and spatial information, amino acid conservation, physicochemical variation, residue mobility, and thermodynamic stability) indicates that this missense variant is not expected to disrupt COL9A2 protein function with a negative predictive value of 95%. In summary, the available evidence is currently insufficient to determine the role of this variant in disease. Therefore, it has been classified as a Variant of Uncertain Significance.

GeneDx
Classification: Uncertain significance. Last evaluated: 2019-10-30. Review status: criteria provided, single submitter. Criteria: GeneDx Variant Classification Process June 2021. Collection method: clinical testing. Allele origin: germline. Affected: yes.
Comment: Has not been previously published as pathogenic or benign to our knowledge; Not observed at a significant frequency in large population cohorts (Lek et al., 2016); In silico analysis, which includes protein predictors and evolutionary conservation, supports a deleterious effect